The following is an entry in ClinVar:

ClinVar aggregate classification (germline): Pathogenic (1 of 4 stars; one submission).

Conditions:
Hereditary nonpolyposis colorectal neoplasms. Identifiers: MedGen C0009405, MeSH D003123.

Submission:

Labcorp Genetics (formerly Invitae), Labcorp
Classification: Pathogenic for Hereditary nonpolyposis colorectal neoplasms. Last evaluated: 2025-09-19. Review status: criteria provided, single submitter. Criteria: Invitae Variant Classification Sherloc (09022015). Collection method: clinical testing. Allele origin: germline.
Comment: This sequence change creates a premature translational stop signal (p.Gln317Argfs*39) in the PMS2 gene. It is expected to result in an absent or disrupted protein product. Loss-of-function variants in PMS2 are known to be pathogenic (PMID: 21376568, 24362816). This variant is not present in population databases (gnomAD no frequency). This variant has not been reported in the literature in individuals affected with PMS2-related conditions. For these reasons, this variant has been classified as Pathogenic.

Literature cited by the submitters: PubMed 21376568; PubMed 24362816.

NM_000535.7(PMS2):c.950del (p.Gln317fs)

Gene: PMS2 (PMS1 homolog 2, mismatch repair system component; minus strand). Cytogenetic location: 7p22.1.
Variant type: Deletion.
Coding change: c.950del on transcript NM_000535.7 (MANE Select); coding-DNA position 950, one base deleted (A; older notation c.950delA).
Protein change: p.Gln317fs; shifts the reading frame from glutamine 317.
Molecular consequence: frameshift variant. On other transcripts: non-coding transcript variant (1), intron variant (1).
Genome position (GRCh38, 1-based): chr7:5,992,011, T deleted on the plus strand (A on the coding strand, the reverse complement: PMS2 is on the minus strand). VCF-style (leftmost placement, unchanged base first): chr7-5992010-CT-C. GRCh37 (hg19) VCF-style: chr7-6031641-CT-C.
Other names: c.545del, p.Gln182fs (NM_001322003.2, NM_001322004.2, NM_001322005.2 and 19 more transcripts); c.950del, p.Gln317fs (NM_001322006.2, NM_001322014.2, NM_001406870.1 and 2 more transcripts); c.632del, p.Gln211fs (NM_001322007.2, NM_001322008.2, NM_001406876.1 and 4 more transcripts); c.17del, p.Gln6fs (NM_001322011.2, NM_001322012.2); c.377del, p.Gln126fs (NM_001322013.2, NM_001406909.1); c.641del, p.Gln214fs (NM_001322015.2, NM_001406875.1, NM_001406877.1 and 6 more transcripts); c.1136del, p.Gln379fs (NM_001406866.1); c.974del, p.Gln325fs (NM_001406868.1); and 8 more; short protein forms Q146fs, Q182fs, Q205fs, Q281fs, Q214fs, Q325fs, Q126fs, Q261fs.
Identifiers: ClinVar variation 4727426 (VCV004727426.1).
Genomic context (GRCh38, chr7:5,992,010, plus strand): 5'-ACTGAAATGCCAATGGAACTTACCTGAATCAACAGAAATGTTAAGAACAACAAATGGATA[CT>C]GGTGTCGATTATACATGTGGTAGACCTCATTCACGAGTCTGCAGACCTGCACAAAATACA-3'